The following is an entry in ClinVar:

ClinVar aggregate classification (germline): Uncertain significance (1 of 4 stars; one submission).

Conditions:
Cutis laxa, autosomal dominant 3 (ADCL3). Identifiers: Orphanet 90348, MedGen C4225268, MONDO:0014706, OMIM 616603.
Autosomal dominant spastic paraplegia type 9. Identifiers: MedGen C1832669, MONDO:0015091.
de Barsy syndrome. Also called: Cutis laxa-corneal clouding-oligophrenia syndrome. Identifiers: Orphanet 2962, MedGen C0268354, MONDO:0017569.

Allele frequency attached by ClinVar (database versions not stated): gnomAD exomes below 0.00001; gnomAD 0.00001.
gnomAD v4.1: 2 of 1,614,078 alleles (0.00012%); highest among the groups gnomAD compares: Non-Finnish European, 0.00017%; no homozygotes.

Submission:

Labcorp Genetics (formerly Invitae), Labcorp
Classification: Uncertain significance for Autosomal dominant spastic paraplegia type 9; de Barsy syndrome; Cutis laxa, autosomal dominant 3. Last evaluated: 2022-11-12. Review status: criteria provided, single submitter. Criteria: Invitae Variant Classification Sherloc (09022015). Collection method: clinical testing. Allele origin: germline.
Comment: This variant has not been reported in the literature in individuals affected with ALDH18A1-related conditions. This sequence change replaces aspartic acid, which is acidic and polar, with valine, which is neutral and non-polar, at codon 595 of the ALDH18A1 protein (p.Asp595Val). This variant is not present in population databases (gnomAD no frequency). Advanced modeling of protein sequence and biophysical properties (such as structural, functional, and spatial information, amino acid conservation, physicochemical variation, residue mobility, and thermodynamic stability) performed at Invitae indicates that this missense variant is not expected to disrupt ALDH18A1 protein function. In summary, the available evidence is currently insufficient to determine the role of this variant in disease. Therefore, it has been classified as a Variant of Uncertain Significance.

NM_002860.4(ALDH18A1):c.1784A>T (p.Asp595Val)

Gene: ALDH18A1 (aldehyde dehydrogenase 18 family member A1; minus strand). Cytogenetic location: 10q24.1.
Variant type: single nucleotide variant.
Coding change: c.1784A>T on transcript NM_002860.4 (MANE Select); coding-DNA position 1784, A replaced by T.
Protein change: p.Asp595Val; replaces aspartic acid 595 with valine.
Molecular consequence: missense variant.
Genome position (GRCh38, 1-based): chr10:95,613,983, T>A on the plus strand (A>T on the coding strand, the complement: ALDH18A1 is on the minus strand). VCF-style: chr10-95613983-T-A. GRCh37 (hg19) VCF-style: chr10-97373740-T-A.
Other names: c.1778A>T, p.Asp593Val (NM_001017423.2, NM_001323415.2); c.1451A>T, p.Asp484Val (NM_001323412.2, NM_001323416.2); c.1784A>T, p.Asp595Val (NM_001323413.2, NM_001323414.2); c.1679A>T, p.Asp560Val (NM_001323417.2); c.1445A>T, p.Asp482Val (NM_001323418.2); c.1148A>T, p.Asp383Val (NM_001323419.2); short protein forms D383V, D593V, D595V, D482V, D484V, D560V.
Identifiers: ClinVar variation 2941520 (VCV002941520.3), dbSNP rs2097840297, ClinGen allele CA377700517.
Genomic context (GRCh38, chr10:95,613,983, plus strand): 5'-TAATATTTCTCCGTTGTGAAAGAGAAGACCCCATCCAGCTCACCTAGCCTGGTGACCTTA[T>A]CAACACTGGCCTCGGAATCCACATACATGTGACAGATCCCTTCGCTGTGCCCCATCACTG-3'
Protein context (NP_002851.2, residues 585-605): HMYVDSEASV[Asp595Val]KVTRLVRDSK